The following is an entry in ClinVar:

ClinVar aggregate classification (germline): Uncertain significance (1 of 4 stars; one submission).

Conditions:
Cardiovascular phenotype. Identifiers: MedGen CN230736.

Submission:

Ambry Genetics
Classification: Uncertain significance for Cardiovascular phenotype. Last evaluated: 2025-11-02. Review status: criteria provided, single submitter. Criteria: Ambry Variant Classification Scheme 2023. Collection method: clinical testing. Allele origin: germline.
Comment: The p.I307V variant (also known as c.919A>G) is located in coding exon 11 of the TECRL gene. The isoleucine at codon 307 is replaced by valine, an amino acid with highly similar properties. This change occurs in the first base pair of coding exon 11. This amino acid position is conserved. In addition, this alteration is predicted to be tolerated by in silico analysis. Based on the available evidence, the clinical significance of this variant remains unclear.

NM_001010874.5(TECRL):c.919A>G (p.Ile307Val)

Gene: TECRL (trans-2,3-enoyl-CoA reductase like; minus strand). Cytogenetic location: 4q13.1.
Variant type: single nucleotide variant.
Coding change: c.919A>G on transcript NM_001010874.5 (MANE Select); coding-DNA position 919, A replaced by G.
Protein change: p.Ile307Val; replaces isoleucine 307 with valine.
Molecular consequence: missense variant.
Genome position (GRCh38, 1-based): chr4:64,281,086, T>C on the plus strand (A>G on the coding strand, the complement: TECRL is on the minus strand). VCF-style: chr4-64281086-T-C. GRCh37 (hg19) VCF-style: chr4-65146804-T-C.
Other names: c.919A>G, p.Ile307Val (NM_001363796.1); short protein forms I307V.
Identifiers: ClinVar variation 4615096 (VCV004615096.1).